The following is an entry in ClinVar:

ClinVar aggregate classification (germline): Uncertain significance (0 of 4 stars; one submission).

Conditions:
Prostate cancer. Also called: Malignant tumor of prostate. Identifiers: Orphanet 1331, MedGen C0376358, MONDO:0008315, HP:0012125.

Submission:

Science for Life laboratory,  Karolinska Institutet
Classification: Uncertain significance for Malignant tumor of prostate. Review status: no assertion criteria provided. Collection method: not provided. Allele origin: somatic.
Comment: TumorID:SWE-1
ClinVar note: Converted during submission from Unknown to Uncertain significance.

NM_001999.4(FBN2):c.6177A>C (p.Glu2059Asp)

Gene: FBN2 (fibrillin 2; minus strand). Cytogenetic location: 5q23.3.
Variant type: single nucleotide variant.
Coding change: c.6177A>C on transcript NM_001999.4 (MANE Select); coding-DNA position 6177, A replaced by C.
Protein change: p.Glu2059Asp; replaces glutamic acid 2059 with aspartic acid.
Molecular consequence: missense variant.
Genome position (GRCh38, 1-based): chr5:128,291,644, T>G on the plus strand (A>C on the coding strand, the complement: FBN2 is on the minus strand). VCF-style: chr5-128291644-T-G. GRCh37 (hg19) VCF-style: chr5-127627336-T-G.
Other names: short protein forms E2059D.
Identifiers: ClinVar variation 161589 (VCV000161589.2), dbSNP rs193920763, ClinGen allele CA174405.